The following is an entry in ClinVar:

ClinVar aggregate classification (germline): Uncertain significance (1 of 4 stars; one submission).

Conditions:
Developmental and epileptic encephalopathy, 9 (DEE9). Also called: EPILEPSY, FEMALE-RESTRICTED, WITH MENTAL RETARDATION; PCDH19-Related X-Linked Female-Limited Epilepsy with Mental Retardation; JUBERG-HELLMAN SYNDROME; Early infantile epileptic encephalopathy 9. Identifiers: Orphanet 101039, Orphanet 2076, MedGen C1848137, MONDO:0010246, OMIM 300088. Disease mechanism: loss of function.

Submission:

Baylor Genetics
Classification: Uncertain significance for Developmental and epileptic encephalopathy, 9. Last evaluated: 2017-09-01. Review status: criteria provided, single submitter. Criteria: ACMG Guidelines, 2015. Collection method: clinical testing. Allele origin: somatic. Inheritance: X-linked inheritance. Affected: yes.

Literature cited by the submitters: PubMed 25326635.

NM_001184880.2(PCDH19):c.919G>A (p.Glu307Lys)

Gene: PCDH19 (protocadherin 19; minus strand). Cytogenetic location: Xq22.1.
Variant type: single nucleotide variant.
Coding change: c.919G>A on transcript NM_001184880.2 (MANE Select); coding-DNA position 919, G replaced by A.
Protein change: p.Glu307Lys; replaces glutamic acid 307 with lysine.
Molecular consequence: missense variant.
Genome position (GRCh38, 1-based): chrX:100,407,679, C>T on the plus strand (G>A on the coding strand, the complement: PCDH19 is on the minus strand). VCF-style: chrX-100407679-C-T. GRCh37 (hg19) VCF-style: chrX-99662677-C-T.
Other names: c.919G>A, p.Glu307Lys (NM_001105243.2, NM_020766.3); short protein forms E307K.
Identifiers: ClinVar variation 561074 (VCV000561074.2), dbSNP rs1569315225, ClinGen allele CA414005014.